The following is an entry in ClinVar:

ClinVar aggregate classification (germline): Conflicting classifications of pathogenicity. Review status: criteria provided, conflicting classifications (1 of 4 stars). 4 submissions from 1 submitter: Uncertain significance (3); Likely benign (1). Last evaluated 2018-01-13.

Conditions:
Basal laminar drusen. Also called: DRUSEN OF BRUCH MEMBRANE; DRUSEN, CUTICULAR; DRUSEN, EARLY ADULT-ONSET, GROUPED. Identifiers: Orphanet 75376, MedGen C0730295, MONDO:0007472, OMIM 126700.
Age related macular degeneration 4. Identifiers: MedGen C1853147, MONDO:0012540, OMIM 610698.
CFH-Related Dense Deposit Disease / Membranoproliferative Glomerulonephritis Type II. Identifiers: MedGen CN071292.
Hemolytic uremic syndrome, atypical, susceptibility to, 1. Also called: AHUS, SUSCEPTIBILITY TO, 1. Identifiers: Orphanet 2134, Orphanet 90038, MedGen C2749604, MONDO:0009335, OMIM 235400. Disease mechanism: Other.

Allele frequency attached by ClinVar (database versions not stated): gnomAD exomes 0.00001 and 0.00002; ExAC 0.00002.
gnomAD v4.1: 12 of 1,613,946 alleles (0.00074%); highest among the groups gnomAD compares: Non-Finnish European, 0.000085%; 1 homozygote.

Submissions (4):

Illumina Laboratory Services, Illumina
Classification: Uncertain significance for Membranoproliferative glomerulonephritis with complement factor h deficiency. Last evaluated: 2018-01-13. Review status: criteria provided, single submitter. Criteria: ICSL Variant Classification Criteria 13 December 2019. Collection method: clinical testing. Allele origin: germline.

Illumina Laboratory Services, Illumina
Classification: Likely benign for Hemolytic uremic syndrome, atypical, susceptibility to, 1. Last evaluated: 2018-01-13. Review status: criteria provided, single submitter. Criteria: ICSL Variant Classification Criteria 13 December 2019. Collection method: clinical testing. Allele origin: germline.
Comment: This variant was observed in the ICSL laboratory as part of a predisposition screen in an ostensibly healthy population. It had not been previously curated by ICSL or reported in the Human Gene Mutation Database (HGMD: prior to June 1st, 2018), and was therefore a candidate for classification through an automated scoring system. Utilizing variant allele frequency, disease prevalence and penetrance estimates, and inheritance mode, an automated score was calculated to assess if this variant is too frequent to cause the disease. Based on the score and internal cut-off values, a variant classified as likely benign is not then subjected to further curation. The score for this variant resulted in a classification of likely benign for this disease.

Illumina Laboratory Services, Illumina
Classification: Uncertain significance for Basal laminar drusen. Last evaluated: 2018-01-13. Review status: criteria provided, single submitter. Criteria: ICSL Variant Classification Criteria 13 December 2019. Collection method: clinical testing. Allele origin: germline.

Illumina Laboratory Services, Illumina
Classification: Uncertain significance for Age related macular degeneration 4. Last evaluated: 2018-01-13. Review status: criteria provided, single submitter. Criteria: ICSL Variant Classification Criteria 13 December 2019. Collection method: clinical testing. Allele origin: germline.

NM_000186.4(CFH):c.3156C>T (p.Pro1052=)

Gene: CFH (complement factor H; plus strand). Cytogenetic location: 1q31.3.
Variant type: single nucleotide variant.
Coding change: c.3156C>T on transcript NM_000186.4 (MANE Select); coding-DNA position 3156, C replaced by T.
Protein change: p.Pro1052=; no amino-acid change (proline 1052 retained).
Molecular consequence: synonymous variant.
Genome position (GRCh38, 1-based): chr1:196,743,474, C>T. VCF-style: chr1-196743474-C-T. GRCh37 (hg19) VCF-style: chr1-196712604-C-T.
Identifiers: ClinVar variation 875390 (VCV000875390.4), dbSNP rs764539113, ClinGen allele CA1305861.